The following is an entry in ClinVar:

ClinVar aggregate classification (germline): Uncertain significance (1 of 4 stars; one submission).

Conditions:
Microcephaly. Also called: Microcephaly (disease). Identifiers: MedGen C4551563, MONDO:0001149, HP:0000252.
Global developmental delay (DD). Also called: Cognitive delay. Identifiers: MedGen C0557874, HP:0001263. Disease mechanism: loss of function.
Sensorineural hearing loss disorder. Also called: Sensorineural hearing loss; Sensorineural hearing impairment; Sensorineural Deafness. Identifiers: MedGen C0018784, MeSH D006319, MONDO:0020678, HP:0000407.
Short stature. Identifiers: MedGen C0349588, HP:0004322.

Allele frequency attached by ClinVar (database versions not stated): TOPMed below 0.00001.

Submission:

Laboratorio de Genetica e Diagnostico Molecular, Hospital Israelita Albert Einstein
Classification: Uncertain significance for Sensorineural hearing loss disorder; Global developmental delay; Microcephaly; Short stature. Last evaluated: 2021-06-01. Review status: criteria provided, single submitter. Criteria: ACMG Guidelines, 2015. Collection method: clinical testing. Allele origin: germline. Affected: yes.
Comment: ACMG classification criteria: PM2

NM_000260.4(MYO7A):c.4827G>A (p.Val1609=)

Gene: MYO7A (myosin VIIA; plus strand). Cytogenetic location: 11q13.5.
Variant type: single nucleotide variant.
Coding change: c.4827G>A on transcript NM_000260.4 (MANE Select); coding-DNA position 4827, G replaced by A.
Protein change: p.Val1609=; no amino-acid change (valine 1609 retained).
Molecular consequence: synonymous variant.
Genome position (GRCh38, 1-based): chr11:77,199,793, G>A. VCF-style: chr11-77199793-G-A. GRCh37 (hg19) VCF-style: chr11-76910838-G-A.
Other names: c.4713G>A, p.Val1571= (NM_001127180.2); c.4680G>A, p.Val1560= (NM_001369365.1).
Identifiers: ClinVar variation 1683777 (VCV001683777.2), dbSNP rs1956935752, ClinGen allele CA475796658.